The following is an entry in ClinVar:

NM_000548.5(TSC2):c.3297G>C (p.Gly1099=)

Gene: TSC2 (TSC complex subunit 2; plus strand). Cytogenetic location: 16p13.3.
Variant type: single nucleotide variant.
Coding change: c.3297G>C on transcript NM_000548.5 (MANE Select); coding-DNA position 3297, G replaced by C.
Protein change: p.Gly1099=; no amino-acid change (glycine 1099 retained).
Molecular consequence: synonymous variant.
Genome position (GRCh38, 1-based): chr16:2,079,569, G>C. VCF-style: chr16-2079569-G-C. GRCh37 (hg19) VCF-style: chr16-2129570-G-C.
Other names: c.3165G>C, p.Gly1055= (NM_001077183.3, NM_001370404.1); c.3297G>C, p.Gly1099= (NM_001114382.3); c.3057G>C, p.Gly1019= (NM_001318827.2); c.3021G>C, p.Gly1007= (NM_001318829.2); c.2565G>C, p.Gly855= (NM_001318831.2); c.3198G>C, p.Gly1066= (NM_001318832.2); c.3168G>C, p.Gly1056= (NM_001363528.2, NM_001370405.1, NM_021055.3).
Identifiers: ClinVar variation 766896 (VCV000766896.44), dbSNP rs138459325, ClinGen allele CA045624.

ClinVar aggregate classification (germline): Benign/Likely benign. Review status: criteria provided, multiple submitters, no conflicts (2 of 4 stars). 5 submissions from 5 submitters: Benign (1); Likely benign (4). Last evaluated 2025-12-21.

Conditions:
Hereditary cancer-predisposing syndrome. Also called: Hereditary Cancer Syndrome; Tumor predisposition; Hereditary neoplastic syndrome; Neoplastic Syndromes, Hereditary. Identifiers: Orphanet 140162, MedGen C0027672, MeSH D009386, MONDO:0015356.
Tuberous sclerosis 2 (TSC2). Identifiers: Orphanet 805, MedGen C1860707, MONDO:0013199, OMIM 613254.

Allele frequency attached by ClinVar (database versions not stated): ExAC 0.00001; gnomAD 0.00001; gnomAD exomes 0.00001 and 0.00002; TOPMed 0.00001; ESP Exome Variant Server 0.00008.
gnomAD v4.1: 14 of 1,610,854 alleles (0.00087%); highest among the groups gnomAD compares: Non-Finnish European, 0.00051%; no homozygotes.

Submissions (5):

Labcorp Genetics (formerly Invitae), Labcorp
Classification: Likely benign for Tuberous sclerosis 2. Last evaluated: 2025-12-21. Review status: criteria provided, single submitter. Criteria: Invitae Variant Classification Sherloc (09022015). Collection method: clinical testing. Allele origin: germline.

Myriad Genetics, Inc.
Classification: Benign for Tuberous sclerosis 2. Last evaluated: 2025-05-28. Review status: criteria provided, single submitter. Criteria: Myriad Autosomal Dominant, Autosomal Recessive and X-Linked Classification Criteria (2023). Collection method: clinical testing. Allele origin: unknown.
Comment: This variant is considered benign. This variant is a silent/synonymous amino acid change and it is not expected to impact splicing.

CeGaT Center for Human Genetics Tuebingen
Classification: Likely benign. Last evaluated: 2022-07-01. Review status: criteria provided, single submitter. Criteria: CeGaT Center For Human Genetics Tuebingen Variant Classification Criteria Version 2. Collection method: clinical testing. Allele origin: germline. Affected: yes. Observed: 1 variant allele.
Comment: TSC2: BP4, BP7

Blueprint Genetics
Classification: Likely benign. Last evaluated: 2021-06-21. Review status: criteria provided, single submitter. Criteria: ACMG Guidelines, 2015. Collection method: clinical testing. Allele origin: germline.

Ambry Genetics
Classification: Likely benign for Hereditary cancer-predisposing syndrome. Last evaluated: 2015-08-31. Review status: criteria provided, single submitter. Criteria: Ambry Variant Classification Scheme 2023. Collection method: clinical testing. Allele origin: germline.